The following is an entry in ClinVar:

NM_001105206.3(LAMA4):c.4768G>T (p.Gly1590Cys)

Gene: LAMA4 (laminin subunit alpha 4; minus strand). Cytogenetic location: 6q21.
Variant type: single nucleotide variant.
Coding change: c.4768G>T on transcript NM_001105206.3 (MANE Select); coding-DNA position 4768, G replaced by T.
Protein change: p.Gly1590Cys; replaces glycine 1590 with cysteine.
Molecular consequence: missense variant.
Genome position (GRCh38, 1-based): chr6:112,119,209, C>A on the plus strand (G>T on the coding strand, the complement: LAMA4 is on the minus strand). VCF-style: chr6-112119209-C-A. GRCh37 (hg19) VCF-style: chr6-112440412-C-A.
Other names: c.4747G>T, p.Gly1583Cys (NM_001105207.3, NM_002290.5); short protein forms G1590C, G1583C.
Identifiers: ClinVar variation 1483484 (VCV001483484.8), dbSNP rs2114583228, ClinGen allele CA365367933.

ClinVar aggregate classification (germline): Uncertain significance (1 of 4 stars; one submission).

Conditions:
Dilated cardiomyopathy 1JJ (CMD1JJ). Identifiers: Orphanet 154, MedGen C3808935, MONDO:0014095, OMIM 615235.

Submission:

Labcorp Genetics (formerly Invitae), Labcorp
Classification: Uncertain significance for Dilated cardiomyopathy 1JJ. Last evaluated: 2025-12-08. Review status: criteria provided, single submitter. Criteria: Invitae Variant Classification Sherloc (09022015). Collection method: clinical testing. Allele origin: germline.
Comment: This sequence change replaces glycine, which is neutral and non-polar, with cysteine, which is neutral and slightly polar, at codon 1583 of the LAMA4 protein (p.Gly1583Cys). This variant is not present in population databases (gnomAD no frequency). This variant has not been reported in the literature in individuals affected with LAMA4-related conditions. ClinVar contains an entry for this variant (Variation ID: 1483484). Invitae Evidence Modeling of protein sequence and biophysical properties (such as structural, functional, and spatial information, amino acid conservation, physicochemical variation, residue mobility, and thermodynamic stability) indicates that this missense variant is not expected to disrupt LAMA4 protein function with a negative predictive value of 80%. In summary, the available evidence is currently insufficient to determine the role of this variant in disease. Therefore, it has been classified as a Variant of Uncertain Significance.